The following is an entry in ClinVar:

NM_001164508.2(NEB):c.1121A>G (p.Gln374Arg)

Gene: NEB (nebulin; minus strand). Cytogenetic location: 2q23.3.
Variant type: single nucleotide variant.
Coding change: c.1121A>G on transcript NM_001164508.2 (MANE Select); coding-DNA position 1121, A replaced by G.
Protein change: p.Gln374Arg; replaces glutamine 374 with arginine.
Molecular consequence: missense variant.
Genome position (GRCh38, 1-based): chr2:151,706,912, T>C on the plus strand (A>G on the coding strand, the complement: NEB is on the minus strand). VCF-style: chr2-151706912-T-C. GRCh37 (hg19) VCF-style: chr2-152563426-T-C.
Other names: c.1121A>G, p.Gln374Arg (NM_001164507.2, NM_001271208.2, NM_004543.5); short protein forms Q374R.
Identifiers: ClinVar variation 1913083 (VCV001913083.2), dbSNP rs2099708968, ClinGen allele CA348826120.

ClinVar aggregate classification (germline): Uncertain significance (1 of 4 stars; one submission).

Conditions:
Nemaline myopathy 2 (NEM2). Also called: Nemaline myopathy 2, autosomal recessive. Identifiers: MedGen C1850569, MONDO:0009725, OMIM 256030.

Allele frequency attached by ClinVar (database versions not stated): gnomAD 0.00001.
gnomAD v4.1: 1 of 1,606,234 alleles (0.000062%); highest among the groups gnomAD compares: South Asian, 0.0011%; no homozygotes.

Submission:

Labcorp Genetics (formerly Invitae), Labcorp
Classification: Uncertain significance for Nemaline myopathy 2. Last evaluated: 2022-02-02. Review status: criteria provided, single submitter. Criteria: Invitae Variant Classification Sherloc (09022015). Collection method: clinical testing. Allele origin: germline.
Comment: This sequence change replaces glutamine, which is neutral and polar, with arginine, which is basic and polar, at codon 374 of the NEB protein (p.Gln374Arg). This variant is not present in population databases (gnomAD no frequency). This variant has not been reported in the literature in individuals affected with NEB-related conditions. Algorithms developed to predict the effect of missense changes on protein structure and function are either unavailable or do not agree on the potential impact of this missense change (SIFT: "Deleterious"; PolyPhen-2: "Not Available"; Align-GVGD: "Class C0"). In summary, the available evidence is currently insufficient to determine the role of this variant in disease. Therefore, it has been classified as a Variant of Uncertain Significance.